The following is an entry in ClinVar:

NM_198859.4(PRICKLE2):c.413A>T (p.Asn138Ile)

Gene: PRICKLE2 (prickle planar cell polarity protein 2; minus strand). Cytogenetic location: 3p14.1.
Variant type: single nucleotide variant.
Coding change: c.413A>T on transcript NM_198859.4 (MANE Select); coding-DNA position 413, A replaced by T.
Protein change: p.Asn138Ile; replaces asparagine 138 with isoleucine.
Molecular consequence: missense variant.
Genome position (GRCh38, 1-based): chr3:64,157,349, T>A on the plus strand (A>T on the coding strand, the complement: PRICKLE2 is on the minus strand). VCF-style: chr3-64157349-T-A. GRCh37 (hg19) VCF-style: chr3-64143025-T-A.
Other names: c.413A>T, p.Asn138Ile (NM_001370528.1); short protein forms N138I.
Identifiers: ClinVar variation 1352211 (VCV001352211.8), dbSNP rs1247504361, ClinGen allele CA353435242.

ClinVar aggregate classification (germline): Uncertain significance (1 of 4 stars; one submission).

Conditions:
Progressive myoclonic epilepsy type 5. Identifiers: Orphanet 402082, MedGen C5190799.

gnomAD v4.1: 1 of 1,613,262 alleles (0.000062%); highest among the groups gnomAD compares: Non-Finnish European, 0.000085%; no homozygotes.

Submission:

Labcorp Genetics (formerly Invitae), Labcorp
Classification: Uncertain significance for Progressive myoclonic epilepsy type 5. Last evaluated: 2022-08-15. Review status: criteria provided, single submitter. Criteria: Invitae Variant Classification Sherloc (09022015). Collection method: clinical testing. Allele origin: germline.
Comment: In summary, the available evidence is currently insufficient to determine the role of this variant in disease. Therefore, it has been classified as a Variant of Uncertain Significance. This sequence change replaces asparagine, which is neutral and polar, with isoleucine, which is neutral and non-polar, at codon 138 of the PRICKLE2 protein (p.Asn138Ile). This variant is not present in population databases (gnomAD no frequency). This variant has not been reported in the literature in individuals affected with PRICKLE2-related conditions. ClinVar contains an entry for this variant (Variation ID: 1352211). Algorithms developed to predict the effect of missense changes on protein structure and function are either unavailable or do not agree on the potential impact of this missense change (SIFT: "Deleterious"; PolyPhen-2: "Benign"; Align-GVGD: "Class C15").